The following is an entry in ClinVar:

ClinVar aggregate classification (germline): Benign/Likely benign. Review status: criteria provided, multiple submitters, no conflicts (2 of 4 stars). 4 submissions from 4 submitters: Benign (2); Likely benign (1). 1 of the submissions does not count toward it. Last evaluated 2026-01-27.

Conditions:
MYOM1-related disorder.
Hypertrophic cardiomyopathy. Also called: HYPERTROPHIC MYOCARDIOPATHY. Identifiers: Orphanet 217569, MedGen C0007194, MeSH D002312, MONDO:0005045, HP:0001639.

Allele frequency attached by ClinVar (database versions not stated): ESP Exome Variant Server 0.00180; 1000 Genomes Project 30x 0.00187; gnomAD 0.00266 and 0.00276; ExAC 0.00271; TOPMed 0.00179; 1000 Genomes Project 0.00180; gnomAD exomes 0.00298.
gnomAD v4.1: 5,720 of 1,613,898 alleles (0.35%); highest among the groups gnomAD compares: Non-Finnish European, 0.4%; 23 homozygotes.

Submissions (4):

Labcorp Genetics (formerly Invitae), Labcorp
Classification: Benign for Hypertrophic cardiomyopathy. Last evaluated: 2026-01-27. Review status: criteria provided, single submitter. Criteria: Invitae Variant Classification Sherloc (09022015). Collection method: clinical testing. Allele origin: germline.

Ambry Genetics
Classification: Benign. Last evaluated: 2018-08-22. Review status: criteria provided, single submitter. Criteria: Ambry Variant Classification Scheme 2023. Collection method: clinical testing. Allele origin: germline.

Laboratory for Molecular Medicine, Mass General Brigham Personalized Medicine
Classification: Likely benign. Last evaluated: 2014-11-24. Review status: criteria provided, single submitter. Criteria: LMM Criteria. Collection method: clinical testing. Allele origin: germline. Observed: 2 variant alleles.
Comment: Thr688Ser in exon 15 of MYOM1: This variant is not expected to have clinical sig nificance because it has been identified in 2.7% (5/186) of Finnish chromosomes from a broad population by the 1000 Genomes Project (/projects/SNP; dbSNP rs188677538).

PreventionGenetics, part of Exact Sciences
Classification: Benign for MYOM1-related condition. Last evaluated: 2019-06-28. Review status: no assertion criteria provided. Collection method: clinical testing. Allele origin: germline. Not counted in ClinVar's aggregate classification.
Comment: This variant is classified as benign based on ACMG/AMP sequence variant interpretation guidelines (Richards et al. 2015 PMID: 25741868, with internal and published modifications).

NM_003803.4(MYOM1):c.2062A>T (p.Thr688Ser)

Gene: MYOM1 (myomesin 1; minus strand). Cytogenetic location: 18p11.31.
Variant type: single nucleotide variant.
Coding change: c.2062A>T on transcript NM_003803.4 (MANE Select); coding-DNA position 2062, A replaced by T.
Protein change: p.Thr688Ser; replaces threonine 688 with serine.
Molecular consequence: missense variant.
Genome position (GRCh38, 1-based): chr18:3,135,694, T>A on the plus strand (A>T on the coding strand, the complement: MYOM1 is on the minus strand). VCF-style: chr18-3135694-T-A. GRCh37 (hg19) VCF-style: chr18-3135692-T-A.
Other names: c.2062A>T, p.Thr688Ser (NM_019856.2); short protein forms T688S.
Identifiers: ClinVar variation 227694 (VCV000227694.22), dbSNP rs188677538, ClinGen allele CA8874755.